The following is an entry in ClinVar:

ClinVar aggregate classification (germline): Likely benign. Review status: criteria provided, multiple submitters, no conflicts (2 of 4 stars). 3 submissions from 3 submitters: Likely benign (3). Last evaluated 2026-02-02.

Conditions:
COL9A1-related disorder. Also called: COL9A1-related condition; COL9A1-related disorders.

Allele frequency attached by ClinVar (database versions not stated): gnomAD 0.00002; ESP Exome Variant Server 0.00008.
gnomAD v4.1: 16 of 1,613,554 alleles (0.00099%); highest among the groups gnomAD compares: Admixed American, 0.0017%; no homozygotes.

Submissions (3):

Labcorp Genetics (formerly Invitae), Labcorp
Classification: Likely benign. Last evaluated: 2026-02-02. Review status: criteria provided, single submitter. Criteria: Invitae Variant Classification Sherloc (09022015). Collection method: clinical testing. Allele origin: germline.

PreventionGenetics, part of Exact Sciences
Classification: Likely benign for COL9A1-related condition. Last evaluated: 2025-04-16. Review status: criteria provided, single submitter. Criteria: ACMG Guidelines, 2015. Collection method: clinical testing. Allele origin: germline.
Comment: This variant is classified as likely benign based on ACMG/AMP sequence variant interpretation guidelines (Richards et al. 2015 PMID: 25741868, with internal and published modifications).

Blueprint Genetics
Classification: Likely benign. Last evaluated: 2024-10-23. Review status: criteria provided, single submitter. Criteria: ACMG Guidelines, 2015. Collection method: clinical testing. Allele origin: germline.

NM_001851.6(COL9A1):c.167-9A>G

Gene: COL9A1 (collagen type IX alpha 1 chain; minus strand). Cytogenetic location: 6q13.
Variant type: single nucleotide variant.
Coding change: c.167-9A>G on transcript NM_001851.6 (MANE Select); 9 bases into the intron before coding-DNA position 167, A replaced by G.
Molecular consequence: intron variant.
Genome position (GRCh38, 1-based): chr6:70,300,184, T>C on the plus strand (A>G on the coding strand, the complement: COL9A1 is on the minus strand). VCF-style: chr6-70300184-T-C. GRCh37 (hg19) VCF-style: chr6-71009887-T-C.
Other names: c.167-9A>G (NM_001377291.1, NM_001851.4).
Identifiers: ClinVar variation 1654755 (VCV001654755.10), dbSNP rs367635142, ClinGen allele CA140828446.